The following is an entry in ClinVar:

NM_001282116.2(RFX3):c.323C>T (p.Ser108Leu)

Gene: RFX3 (regulatory factor X3; minus strand). Cytogenetic location: 9p24.2.
Variant type: single nucleotide variant.
Coding change: c.323C>T on transcript NM_001282116.2 (MANE Select); coding-DNA position 323, C replaced by T.
Protein change: p.Ser108Leu; replaces serine 108 with leucine.
Molecular consequence: missense variant.
Genome position (GRCh38, 1-based): chr9:3,330,410, G>A on the plus strand (C>T on the coding strand, the complement: RFX3 is on the minus strand). VCF-style: chr9-3330410-G-A. GRCh37 (hg19) VCF-style: chr9-3330410-G-A.
Other names: c.323C>T, p.Ser108Leu (NM_001282117.2, NM_001377999.1, NM_002919.4 and 1 more transcripts); short protein forms S108L.
Identifiers: ClinVar variation 3338506 (VCV003338506.1).

ClinVar aggregate classification (germline): Uncertain significance (1 of 4 stars; one submission).

gnomAD v4.1: 1 of 1,614,148 alleles (0.000062%); highest among the groups gnomAD compares: Non-Finnish European, 0.000085%; no homozygotes.

Submission:

Greenwood Genetic Center Diagnostic Laboratories, Greenwood Genetic Center
Classification: Uncertain significance. Last evaluated: 2024-05-16. Review status: criteria provided, single submitter. Criteria: ACMG Guidelines, 2015. Collection method: clinical testing. Allele origin: germline. Affected: yes.
Comment: Gene of Uncertain Significance